The following is an entry in ClinVar:

ClinVar aggregate classification (germline): Uncertain significance (1 of 4 stars; one submission).

Conditions:
Progressive sclerosing poliodystrophy (MTDPS4A). Also called: ALPERS PROGRESSIVE INFANTILE POLIODYSTROPHY; NEURONAL DEGENERATION OF CHILDHOOD WITH LIVER DISEASE, PROGRESSIVE; Alpers Syndrome; ALPERS DIFFUSE DEGENERATION OF CEREBRAL GRAY MATTER WITH HEPATIC CIRRHOSIS; Alpers-Huttenlocher Syndrome; Mitochondrial DNA depletion syndrome 4A (Alpers type). Identifiers: Orphanet 726, MedGen C0205710, MONDO:0008758, OMIM 203700.

Submission:

Labcorp Genetics (formerly Invitae), Labcorp
Classification: Uncertain significance for Progressive sclerosing poliodystrophy. Last evaluated: 2023-07-25. Review status: criteria provided, single submitter. Criteria: Invitae Variant Classification Sherloc (09022015). Collection method: clinical testing. Allele origin: germline.
Comment: This sequence change replaces glycine, which is neutral and non-polar, with serine, which is neutral and polar, at codon 912 of the POLG protein (p.Gly912Ser). This variant also falls at the last nucleotide of exon 17, which is part of the consensus splice site for this exon. This variant is not present in population databases (gnomAD no frequency). This variant has not been reported in the literature in individuals affected with POLG-related conditions. An algorithm developed to predict the effect of missense changes on protein structure and function (PolyPhen-2) suggests that this variant is likely to be disruptive. Variants that disrupt the consensus splice site are a relatively common cause of aberrant splicing (PMID: 17576681, 9536098). In summary, the available evidence is currently insufficient to determine the role of this variant in disease. Therefore, it has been classified as a Variant of Uncertain Significance.

Literature cited by the submitters: PubMed 17576681; PubMed 9536098.

NM_002693.3(POLG):c.2734G>A (p.Gly912Ser)

Gene: POLG (DNA polymerase gamma, catalytic subunit; minus strand). Cytogenetic location: 15q26.1.
Variant type: single nucleotide variant.
Coding change: c.2734G>A on transcript NM_002693.3 (MANE Select); coding-DNA position 2734, G replaced by A.
Protein change: p.Gly912Ser; replaces glycine 912 with serine.
Molecular consequence: missense variant.
Genome position (GRCh38, 1-based): chr15:89,321,125, C>T on the plus strand (G>A on the coding strand, the complement: POLG is on the minus strand). VCF-style: chr15-89321125-C-T. GRCh37 (hg19) VCF-style: chr15-89864356-C-T.
Other names: c.2734G>A, p.Gly912Ser (NM_001126131.2); short protein forms G912S.
Identifiers: ClinVar variation 2746835 (VCV002746835.3), dbSNP rs2509218726, ClinGen allele CA393753417.
Genomic context (GRCh38, chr15:89,321,125, plus strand): 5'-TTCATCAGAACTGTCAATATGCTGAGGGGCTGGGCTGCCCCAACCCCGGCTCCTGCTCAC[C>T]ATGCATGCCGGCAAAGTGGGCGTCTCCAAGCACAGCTGCAATCCACAGCTCTTGGGAGTC-3'
Protein context (NP_002684.1, residues 902-922): LGDAHFAGMH[Gly912Ser]CTAFGWMTLQ